The following is an entry in ClinVar:

ClinVar aggregate classification (germline): Uncertain significance (1 of 4 stars; one submission).

Conditions:
Epidermolysis bullosa simplex 3, localized or generalized intermediate, with BP230 deficiency (EBS3). Also called: Epidermolysis bullosa simplex, autosomal recessive 2; Epidermolysis bullosa simplex due to BP230 deficiency. Identifiers: Orphanet 412181, MedGen C3809470, MONDO:0014180, OMIM 615425.
Hereditary sensory and autonomic neuropathy type 6. Also called: Neuropathy, hereditary sensory and autonomic, type VI; HSAN VI. Identifiers: Orphanet 314381, MedGen C3539003, MONDO:0013839, OMIM 614653.

Allele frequency attached by ClinVar (database versions not stated): TOPMed below 0.00001; gnomAD 0.00001; gnomAD exomes 0.00001.
gnomAD v4.1: 2 of 1,613,782 alleles (0.00012%); highest among the groups gnomAD compares: Non-Finnish European, 0.00017%; no homozygotes.

Submission:

Labcorp Genetics (formerly Invitae), Labcorp
Classification: Uncertain significance for Epidermolysis bullosa simplex 3, localized or generalized intermediate, with BP230 deficiency; Hereditary sensory and autonomic neuropathy type 6. Last evaluated: 2019-06-14. Review status: criteria provided, single submitter. Criteria: Invitae Variant Classification Sherloc (09022015). Collection method: clinical testing. Allele origin: germline.
Comment: This sequence change replaces threonine with alanine at codon 3321 of the DST protein (p.Thr3321Ala). The threonine residue is weakly conserved and there is a small physicochemical difference between threonine and alanine. The DST gene has multiple clinically relevant transcripts. The p.Thr3321Ala variant occurs in alternate transcript NM_015548.4, which corresponds to c.*87932A>G in NM_001723.5, the primary transcript listed in the Methods. In summary, the available evidence is currently insufficient to determine the role of this variant in disease. Therefore, it has been classified as a Variant of Uncertain Significance. Algorithms developed to predict the effect of missense changes on protein structure and function are either unavailable or do not agree on the potential impact of this missense change (SIFT: "Tolerated"; PolyPhen-2: "Not Available"; Align-GVGD: "Class C0"). This variant has not been reported in the literature in individuals with DST-related conditions. This variant is not present in population databases (ExAC no frequency).

NM_001374736.1(DST):c.17830A>G (p.Thr5944Ala)

Gene: DST (dystonin; minus strand). Cytogenetic location: 6p12.1.
Variant type: single nucleotide variant.
Coding change: c.17830A>G on transcript NM_001374736.1 (MANE Select); coding-DNA position 17830, A replaced by G.
Protein change: p.Thr5944Ala; replaces threonine 5944 with alanine.
Molecular consequence: missense variant.
Genome position (GRCh38, 1-based): chr6:56,527,585, T>C on the plus strand (A>G on the coding strand, the complement: DST is on the minus strand). VCF-style: chr6-56527585-T-C. GRCh37 (hg19) VCF-style: chr6-56392383-T-C.
Other names: c.11473A>G, p.Thr3825Ala (NM_001144769.5); c.11059A>G, p.Thr3687Ala (NM_001144770.2); c.17830A>G, p.Thr5944Ala (NM_001374722.1); c.16870A>G, p.Thr5624Ala (NM_001374729.1); c.10612A>G, p.Thr3538Ala (NM_001374730.1); c.17857A>G, p.Thr5953Ala (NM_001374734.1); c.9961A>G, p.Thr3321Ala (NM_015548.5); c.10939A>G, p.Thr3647Ala (NM_183380.4); short protein forms T3321A, T3687A, T3825A, T5953A, T5624A, T3538A, T3647A, T5944A.
Identifiers: ClinVar variation 970359 (VCV000970359.8), dbSNP rs1252419878, ClinGen allele CA364506235.